The following is an entry in ClinVar:

NM_024675.4(PALB2):c.33T>A (p.Cys11Ter)

Gene: PALB2 (partner and localizer of BRCA2; minus strand). Cytogenetic location: 16p12.2.
Variant type: single nucleotide variant.
Coding change: c.33T>A on transcript NM_024675.4 (MANE Select); coding-DNA position 33, T replaced by A.
Protein change: p.Cys11Ter; replaces cysteine 11 with a stop codon.
Molecular consequence: nonsense. On other transcripts: 5 prime UTR variant (8), splice donor variant (2).
Genome position (GRCh38, 1-based): chr16:23,641,125, A>T on the plus strand (T>A on the coding strand, the complement: PALB2 is on the minus strand). VCF-style: chr16-23641125-A-T. GRCh37 (hg19) VCF-style: chr16-23652446-A-T.
Other names: c.33T>A, p.Cys11Ter (NM_001407296.1, NM_001407297.1, NM_001407298.1 and 5 more transcripts); c.-1711T>A (NM_001407304.1, NM_001407310.1); c.-987T>A (NM_001407305.1, NM_001407307.1, NM_001407309.1 and 1 more transcripts); c.-120T>A (NM_001407312.1, NM_001407313.1); c.-838+2T>A (NM_001407308.1, NM_001407306.1); short protein forms C11*.
Identifiers: ClinVar variation 2673886 (VCV002673886.1), dbSNP rs2142481060, ClinGen allele CA395141083.
Genomic context (GRCh38, chr16:23,641,125, plus strand): 5'-AGCGGGGTCAGAGTCCTGCGTCCGCCCTTCCCGCACCCCCGGCACCTTTTCCTTCTCCTC[A>T]CAGCTGAGGGGCTTCCCGGGAGGCTCGTCCATCGGGCAGGCGACAGAACGAAAAGAGCAG-3'

ClinVar aggregate classification (germline): Pathogenic (1 of 4 stars; one submission).

Conditions:
Familial cancer of breast. Also called: Hereditary breast cancer; BREAST CANCER, FAMILIAL; hereditary breast carcinoma. Identifiers: Orphanet 227535, MedGen C0346153, MONDO:0016419, OMIM 114480. Disease mechanism: loss of function.

Submission:

Myriad Genetics, Inc.
Classification: Pathogenic for Familial cancer of breast. Last evaluated: 2023-09-05. Review status: criteria provided, single submitter. Criteria: Myriad Autosomal Dominant, Autosomal Recessive and X-Linked Classification Criteria (2023). Collection method: clinical testing. Allele origin: unknown.
Comment: This variant is considered pathogenic. This variant creates a termination codon and is predicted to result in premature protein truncation.